The following is an entry in ClinVar:

ClinVar aggregate classification (germline): Uncertain significance (1 of 4 stars; one submission).

gnomAD v4.1: 3 of 1,614,126 alleles (0.00019%); highest among the groups gnomAD compares: Non-Finnish European, 0.00025%; no homozygotes.

Submission:

Labcorp Genetics (formerly Invitae), Labcorp
Classification: Uncertain significance. Last evaluated: 2024-01-11. Review status: criteria provided, single submitter. Criteria: Invitae Variant Classification Sherloc (09022015). Collection method: clinical testing. Allele origin: germline.
Comment: This sequence change replaces valine, which is neutral and non-polar, with isoleucine, which is neutral and non-polar, at codon 278 of the KL protein (p.Val278Ile). This variant is not present in population databases (gnomAD no frequency). This variant has not been reported in the literature in individuals affected with KL-related conditions. Advanced modeling of protein sequence and biophysical properties (such as structural, functional, and spatial information, amino acid conservation, physicochemical variation, residue mobility, and thermodynamic stability) performed at Invitae indicates that this missense variant is not expected to disrupt KL protein function with a negative predictive value of 80%. In summary, the available evidence is currently insufficient to determine the role of this variant in disease. Therefore, it has been classified as a Variant of Uncertain Significance.

NM_004795.4(KL):c.832G>A (p.Val278Ile)

Gene: KL (klotho; plus strand). Cytogenetic location: 13q13.1.
Variant type: single nucleotide variant.
Coding change: c.832G>A on transcript NM_004795.4 (MANE Select); coding-DNA position 832, G replaced by A.
Protein change: p.Val278Ile; replaces valine 278 with isoleucine.
Molecular consequence: missense variant.
Genome position (GRCh38, 1-based): chr13:33,053,779, G>A. VCF-style: chr13-33053779-G-A. GRCh37 (hg19) VCF-style: chr13-33627916-G-A.
Other names: short protein forms V278I.
Identifiers: ClinVar variation 2776895 (VCV002776895.3), dbSNP rs2501772443, ClinGen allele CA387789770.